The following is an entry in ClinVar:

NM_001143854.2(RPH3A):c.846G>A (p.Ser282=)

Gene: RPH3A (rabphilin 3A; plus strand). Cytogenetic location: 12q24.13.
Variant type: single nucleotide variant.
Coding change: c.846G>A on transcript NM_001143854.2 (MANE Select); coding-DNA position 846, G replaced by A.
Protein change: p.Ser282=; no amino-acid change (serine 282 retained).
Molecular consequence: synonymous variant. On other transcripts: non-coding transcript variant (2).
Genome position (GRCh38, 1-based): chr12:112,875,133, G>A. VCF-style: chr12-112875133-G-A. GRCh37 (hg19) VCF-style: chr12-113312938-G-A.
Other names: c.846G>A, p.Ser282= (NM_001347953.1, NM_001347954.2, NM_001347952.2); c.645G>A, p.Ser215= (NM_001347955.2); c.834G>A, p.Ser278= (NM_014954.4).
Identifiers: ClinVar variation 4984817 (VCV004984817.1).
Genomic context (GRCh38, chr12:112,875,133, plus strand): 5'-TTCCTCTGCAGGTTTGAGACGGGCCAACTCAGTCCAGGCCTCCAGACCTGCCCCAGGCTC[G>A]GTGCAGAGCCCAGCGCCACCTCAGCCTGGGCAGCCAGGTACCTGCCACTCACCTGCTAGC-3'
Protein context (NP_001137326.1, residues 272-292): SVQASRPAPG[Ser282=]VQSPAPPQPG

ClinVar aggregate classification (germline): Likely benign (1 of 4 stars; one submission).

Conditions:
RPH3A-related condition.

gnomAD v4.1: 15 of 1,609,498 alleles (0.00093%); highest among the groups gnomAD compares: Admixed American, 0.0034%; no homozygotes.

Submission:

PreventionGenetics, part of Exact Sciences
Classification: Likely benign for RPH3A-related condition. Last evaluated: 2026-06-17. Review status: criteria provided, single submitter. Criteria: ACMG Guidelines, 2015. Collection method: clinical testing. Allele origin: germline.
Comment: This variant is classified as likely benign based on ACMG/AMP sequence variant interpretation guidelines (Richards et al. 2015 PMID: 25741868, with internal and published modifications).